The following is an entry in ClinVar:

NM_001011.4(RPS7):c.65_75+2delinsCTGG

Gene: RPS7 (ribosomal protein S7; plus strand). Cytogenetic location: 2p25.3.
Variant type: Indel.
Coding change: c.65_75+2delinsCTGG on transcript NM_001011.4 (MANE Select); coding-DNA position 65 through the canonical splice donor site of the intron after coding-DNA position 75, GCATCTCCCAGGT replaced by CTGG.
Molecular consequence: splice donor variant.
Genome position (GRCh38, 1-based): chr2:3,575,674-3,575,686, GCATCTCCCAGGT replaced by CTGG. VCF-style: chr2-3575674-GCATCTCCCAGGT-CTGG. GRCh37 (hg19) VCF-style: chr2-3623264-GCATCTCCCAGGT-CTGG.
Identifiers: ClinVar variation 1753913 (VCV001753913.2), dbSNP rs2528177029, ClinGen allele CA2580066127.

ClinVar aggregate classification (germline): Pathogenic (1 of 4 stars; one submission).

Conditions:
Diamond-Blackfan anemia. Also called: Blackfan Diamond syndrome; Aregenerative anemia chronic congenital; Red cell aplasia, pure hereditary; Congenital hypoplastic anemia; Aase syndrome. Identifiers: Orphanet 124, MedGen C1260899, MeSH D029503, MONDO:0015253, HP:0004810.

Submission:

Ambry Genetics
Classification: Pathogenic for Diamond-Blackfan anemia. Last evaluated: 2025-09-29. Review status: criteria provided, single submitter. Criteria: Ambry Variant Classification Scheme 2023. Collection method: clinical testing. Allele origin: germline.
Comment: The c.65_c.75+2del13insCTGG pathogenic mutation results from a deletion of 13 nucleotides and insertion of 4 nucleotides between positions 65 and 75+2 and involves the canonical splice donor site after coding exon 1 of the RPS7 gene. This variant is considered to be rare based on population cohorts in the Genome Aggregation Database (gnomAD). Alterations that disrupt the canonical splice site are expected to cause aberrant splicing, resulting in an abnormal protein or a transcript that is subject to nonsense-mediated mRNA decay. As such, this alteration is interpreted as a disease-causing mutation.